The following is an entry in ClinVar:

NM_058216.3(RAD51C):c.312T>C (p.Cys104=)

Gene: RAD51C (RAD51 paralog C; plus strand). Cytogenetic location: 17q22.
Variant type: single nucleotide variant.
Coding change: c.312T>C on transcript NM_058216.3 (MANE Select); coding-DNA position 312, T replaced by C.
Protein change: p.Cys104=; no amino-acid change (cysteine 104 retained).
Molecular consequence: synonymous variant. On other transcripts: non-coding transcript variant (2).
Genome position (GRCh38, 1-based): chr17:58,695,097, T>C. VCF-style: chr17-58695097-T-C. GRCh37 (hg19) VCF-style: chr17-56772458-T-C.
Other names: c.312T>C, p.Cys104= (NM_002876.4).
Identifiers: ClinVar variation 3903718 (VCV003903718.1).

ClinVar aggregate classification (germline): Benign (1 of 4 stars; one submission).

Conditions:
Breast-ovarian cancer, familial, susceptibility to, 3. Also called: RAD51C-Related Breast/Ovarian Cancer. Identifiers: Orphanet 145, MedGen C3150659, MONDO:0013253, OMIM 613399.

Submission:

Myriad Genetics, Inc.
Classification: Benign for Breast-ovarian cancer, familial, susceptibility to, 3. Last evaluated: 2025-02-14. Review status: criteria provided, single submitter. Criteria: Myriad Autosomal Dominant, Autosomal Recessive and X-Linked Classification Criteria (2023). Collection method: clinical testing. Allele origin: unknown.
Comment: This variant is considered benign. This variant is a silent/synonymous amino acid change and it is not expected to impact splicing.